The following is an entry in ClinVar:

ClinVar aggregate classification (germline): Conflicting classifications of pathogenicity. Review status: criteria provided, conflicting classifications (1 of 4 stars). 7 submissions from 3 submitters: Uncertain significance (3); Benign (2); Likely benign (2). Last evaluated 2025-04-27.

Conditions:
Dilated cardiomyopathy 1G (CMD1G). Identifiers: Orphanet 154, MedGen C1858763, MONDO:0011400, OMIM 604145.
Autosomal recessive limb-girdle muscular dystrophy type 2J (LGMDR10). Also called: MUSCULAR DYSTROPHY, LIMB-GIRDLE, AUTOSOMAL RECESSIVE 10; Limb-girdle muscular dystrophy, type 2J. Identifiers: Orphanet 140922, MedGen C1837342, MONDO:0012127, OMIM 608807.
Cardiovascular phenotype. Identifiers: MedGen CN230736.
Myopathy, myofibrillar, 9, with early respiratory failure (MFM9). Also called: Myopathy, distal, with early respiratory failure, autosomal dominant; Hereditary myopathy with early respiratory failure; EDSTROM MYOPATHY; MYOPATHY, PROXIMAL, WITH EARLY RESPIRATORY MUSCLE INVOLVEMENT. Identifiers: Orphanet 178464, Orphanet 34521, MedGen C1863599, MONDO:0011362, OMIM 603689.
Early-onset myopathy with fatal cardiomyopathy (CMYO5). Also called: CONGENITAL MYOPATHY 5 WITH CARDIOMYOPATHY; Salih Myopathy. Identifiers: Orphanet 289377, MedGen C2673677, MONDO:0012714, OMIM 611705. Disease mechanism: loss of function.
Tibial muscular dystrophy (TMD). Also called: Udd Distal Myopathy – Tibial Muscular Dystrophy; UDD MYOPATHY; Tibial muscular dystrophy, tardive. Identifiers: Orphanet 609, MedGen C1838244, MONDO:0010870, OMIM 600334.

Allele frequency attached by ClinVar (database versions not stated): gnomAD 0.00001; gnomAD exomes 0.00002 and 0.00016; ExAC 0.00003; 1000 Genomes Project 30x 0.00016; 1000 Genomes Project 0.00020.
gnomAD v4.1: 95 of 1,604,312 alleles (0.0059%); highest among the groups gnomAD compares: East Asian, 0.21%; 1 homozygote.

Submissions (7):

Labcorp Genetics (formerly Invitae), Labcorp
Classification: Likely benign for Dilated cardiomyopathy 1G; Autosomal recessive limb-girdle muscular dystrophy type 2J. Last evaluated: 2025-04-27. Review status: criteria provided, single submitter. Criteria: Invitae Variant Classification Sherloc (09022015). Collection method: clinical testing. Allele origin: germline.

Ambry Genetics
Classification: Likely benign for Cardiovascular phenotype. Last evaluated: 2024-01-29. Review status: criteria provided, single submitter. Criteria: Ambry Variant Classification Scheme 2023. Collection method: clinical testing. Allele origin: germline.

Illumina Laboratory Services, Illumina
Classification: Uncertain significance for Autosomal recessive limb-girdle muscular dystrophy type 2J. Last evaluated: 2018-01-13. Review status: criteria provided, single submitter. Criteria: ICSL Variant Classification Criteria 13 December 2019. Collection method: clinical testing. Allele origin: germline.

Illumina Laboratory Services, Illumina
Classification: Uncertain significance for Dilated cardiomyopathy 1G. Last evaluated: 2018-01-13. Review status: criteria provided, single submitter. Criteria: ICSL Variant Classification Criteria 13 December 2019. Collection method: clinical testing. Allele origin: germline.

Illumina Laboratory Services, Illumina
Classification: Uncertain significance for Early-onset myopathy with fatal cardiomyopathy. Last evaluated: 2018-01-13. Review status: criteria provided, single submitter. Criteria: ICSL Variant Classification Criteria 13 December 2019. Collection method: clinical testing. Allele origin: germline.

Illumina Laboratory Services, Illumina
Classification: Benign for Tibial muscular dystrophy. Last evaluated: 2018-01-13. Review status: criteria provided, single submitter. Criteria: ICSL Variant Classification Criteria 13 December 2019. Collection method: clinical testing. Allele origin: germline.
Comment: This variant was observed in the ICSL laboratory as part of a predisposition screen in an ostensibly healthy population. It had not been previously curated by ICSL or reported in the Human Gene Mutation Database (HGMD: prior to June 1st, 2018), and was therefore a candidate for classification through an automated scoring system. Utilizing variant allele frequency, disease prevalence and penetrance estimates, and inheritance mode, an automated score was calculated to assess if this variant is too frequent to cause the disease. Based on the score and internal cut-off values, a variant classified as benign is not then subjected to further curation. The score for this variant resulted in a classification of benign for this disease.

Illumina Laboratory Services, Illumina
Classification: Benign for Myopathy, myofibrillar, 9, with early respiratory failure. Last evaluated: 2018-01-13. Review status: criteria provided, single submitter. Criteria: ICSL Variant Classification Criteria 13 December 2019. Collection method: clinical testing. Allele origin: germline.
Comment: the same text as in the submission from Illumina Laboratory Services, Illumina above.

NM_001267550.2(TTN):c.96030A>G (p.Glu32010=)

Genes: TTN (titin; minus strand), TTN-AS1 (TTN antisense RNA 1; plus strand). Cytogenetic location: 2q31.2.
Variant type: single nucleotide variant.
Coding change: c.96030A>G on transcript NM_001267550.2 (MANE Select); coding-DNA position 96030, A replaced by G.
Protein change: p.Glu32010=; no amino-acid change (glutamic acid 32010 retained).
Molecular consequence: synonymous variant.
Genome position (GRCh38, 1-based): chr2:178,544,114, T>C on the plus strand (A>G on the coding strand, the complement: TTN is on the minus strand). VCF-style: chr2-178544114-T-C. GRCh37 (hg19) VCF-style: chr2-179408841-T-C.
Other names: c.91107A>G, p.Glu30369= (NM_001256850.1); c.68835A>G, p.Glu22945= (NM_003319.4); c.88326A>G, p.Glu29442= (NM_133378.4); c.69210A>G, p.Glu23070= (NM_133432.3); c.69411A>G, p.Glu23137= (NM_133437.4).
Identifiers: ClinVar variation 332720 (VCV000332720.13), dbSNP rs144101806, ClinGen allele CA1986824.